The following is an entry in ClinVar:

NM_022893.4(BCL11A):c.1847del (p.Gly616fs)

Gene: BCL11A (BCL11 transcription factor A; minus strand). Cytogenetic location: 2p16.1.
Variant type: Deletion.
Coding change: c.1847del on transcript NM_022893.4 (MANE Select); coding-DNA position 1847, one base deleted (G; older notation c.1847delG).
Protein change: p.Gly616fs; shifts the reading frame from glycine 616.
Molecular consequence: frameshift variant. On other transcripts: intron variant (1).
Genome position (GRCh38, 1-based): chr2:60,461,065, C deleted on the plus strand (G on the coding strand, the reverse complement: BCL11A is on the minus strand); the first of 6 consecutive C bases (chr2:60,461,065-60,461,070); deleting any one gives the same sequence. VCF-style (leftmost placement, unchanged base first): chr2-60461064-GC-G. GRCh37 (hg19) VCF-style: chr2-60688199-GC-G.
Other names: c.1847delG (NM_022893.4); c.1745del, p.Gly582fs (NM_001363864.1, NM_001365609.1); c.1847del, p.Gly616fs (NM_018014.4); c.630+1217del (NM_138559.2); c.1847del (NM_022893.3); short protein forms G582fs, G616fs.
Identifiers: ClinVar variation 1251950 (VCV001251950.3), dbSNP rs1382819519, ClinGen allele CA2499216166.
Genomic context (GRCh38, chr2:60,461,064, plus strand): 5'-GATGCGCTTAGAGAAGGGGCTCAGCGAGCTGGGGCTGCCCAGCAGCAGCTTTTTGGACAG[GC>G]CCCCCGAGGCCGACTCGCCCGGGGAGCAGCCGCGGCCATTAACAGTGCCATCGTCTATGC-3'

ClinVar aggregate classification (germline): Likely pathogenic. Review status: criteria provided, multiple submitters, no conflicts (2 of 4 stars). 2 submissions from 2 submitters: Likely pathogenic (2). Last evaluated 2026-08-26.

Conditions:
Dias-Logan syndrome. Also called: INTELLECTUAL DEVELOPMENTAL DISORDER WITH HEREDITARY PERSISTENCE OF FETAL HEMOGLOBIN; Intellectual developmental disorder with persistence of fetal hemoglobin. Identifiers: Orphanet 619233, MedGen C4310833, MONDO:0014914, OMIM 617101.

Submissions (2):

GeneDx
Classification: Likely pathogenic. Last evaluated: 2026-08-26. Review status: criteria provided, single submitter. Criteria: GeneDx Variant Classification Process June 2021. Collection method: clinical testing. Allele origin: germline.
Comment: Frameshift variant predicted to result in abnormal protein length as the last 220 amino acids are replaced with 13 different amino acids, and other similar variants have been reported in HGMD; Not observed at significant frequency in large population cohorts (gnomAD); De novo variant with confirmed parentage in other patients referred for genetic testing at GeneDx with reported clinical features that are only partially consistent with the features typically observed in individuals with pathogenic variants in this gene; Has not been previously published as pathogenic or benign to our knowledge

HudsonAlpha Institute for Biotechnology
Classification: Likely pathogenic for Dias-Logan syndrome. Last evaluated: 2021-06-24. Review status: criteria provided, single submitter. Criteria: ACMG Guidelines, 2015. Collection method: research. Allele origin: unknown. Affected: yes. Observed: 1 variant allele. Study: HudsonAlpha-AGHI-WGS.
Comment: ACMG codes:PVS1, PM2